The following is an entry in ClinVar:

ClinVar aggregate classification (germline): Pathogenic. Review status: criteria provided, multiple submitters, no conflicts (2 of 4 stars). 5 submissions from 5 submitters: Pathogenic (4). 1 of the submissions does not count toward it. Last evaluated 2024-10-04.

Conditions:
Autosomal recessive retinitis pigmentosa. Identifiers: MedGen C0339526.
Retinitis pigmentosa 38 (RP38). Also called: ROD-CONE DYSTROPHY, CHILDHOOD-ONSET. Identifiers: Orphanet 791, MedGen C3151228, MONDO:0013469, OMIM 613862.

Submissions (5):

Dubai Health Genomic Medicine Center, Dubai Health
Classification: Pathogenic for Retinitis pigmentosa 38. Last evaluated: 2024-10-04. Review status: criteria provided, single submitter. Criteria: ACMG Guidelines, 2015. Collection method: research. Allele origin: germline. Affected: yes.
Comment: PVS1,PM3,PM2

Genomic Medicine Center of Excellence, King Faisal Specialist Hospital and Research Centre
Classification: Pathogenic for Retinitis pigmentosa 38. Last evaluated: 2024-09-22. Review status: criteria provided, single submitter. Criteria: ACMG Guidelines, 2015. Collection method: clinical testing. Allele origin: germline.

Labcorp Genetics (formerly Invitae), Labcorp
Classification: Pathogenic. Last evaluated: 2024-07-23. Review status: criteria provided, single submitter. Criteria: Invitae Variant Classification Sherloc (09022015). Collection method: clinical testing. Allele origin: germline.
Comment: This sequence change creates a premature translational stop signal (p.Cys738Trpfs*32) in the MERTK gene. It is expected to result in an absent or disrupted protein product. Loss-of-function variants in MERTK are known to be pathogenic (PMID: 24265693, 29659094). This variant is not present in population databases (gnomAD no frequency). This premature translational stop signal has been observed in individual(s) with retinal dystrophy (PMID: 16714263). ClinVar contains an entry for this variant (Variation ID: 265244). For these reasons, this variant has been classified as Pathogenic.

GeneDx
Classification: Pathogenic. Last evaluated: 2023-10-03. Review status: criteria provided, single submitter. Criteria: GeneDx Variant Classification Process June 2021. Collection method: clinical testing. Allele origin: germline. Affected: yes.
Comment: Frameshift variant predicted to result in protein truncation or nonsense mediated decay in a gene for which loss-of-function is a known mechanism of disease; This variant is associated with the following publications: (PMID: 16714263, 31589614, 31725702, 33188265, 26355662, 32783370)

Faculty of Health Sciences, Beirut Arab University
Classification: Pathogenic for Autosomal recessive Retinitis Pigmentosa. Last evaluated: 2019-11-08. Review status: no assertion criteria provided. Collection method: literature only. Allele origin: germline. Affected: yes. Observed: 8 variant alleles. Not counted in ClinVar's aggregate classification.

Literature cited by the submitters: PubMed 24265693 (cited by Labcorp Genetics (formerly Invitae), Labcorp); PubMed 29659094 (cited by Labcorp Genetics (formerly Invitae), Labcorp); PubMed 16714263 (cited by Labcorp Genetics (formerly Invitae), Labcorp); PubMed 31725702 (cited by Faculty of Health Sciences, Beirut Arab University); PubMed 26355662 (cited by Faculty of Health Sciences, Beirut Arab University).

NM_006343.3(MERTK):c.2214del (p.Cys738fs)

Gene: MERTK (MER proto-oncogene, tyrosine kinase; plus strand). Cytogenetic location: 2q13.
Variant type: Deletion.
Coding change: c.2214del on transcript NM_006343.3 (MANE Select); coding-DNA position 2214, one base deleted (T; older notation c.2214delT).
Protein change: p.Cys738fs; shifts the reading frame from cysteine 738.
Molecular consequence: frameshift variant.
Genome position (GRCh38, 1-based): chr2:112,021,446, T deleted. VCF-style (leftmost placement, unchanged base first): chr2-112021445-GT-G. GRCh37 (hg19) VCF-style: chr2-112779022-GT-G.
Other names: c.2214del (NM_006343.2); short protein forms C738fs.
Identifiers: ClinVar variation 265244 (VCV000265244.10), dbSNP rs886039422, ClinGen allele CA10588308.